The following is an entry in ClinVar:

NM_032603.5(LOXL3):c.1951C>T (p.Arg651Trp)

Gene: LOXL3 (lysyl oxidase like 3; minus strand). Cytogenetic location: 2p13.1.
Variant type: single nucleotide variant.
Coding change: c.1951C>T on transcript NM_032603.5 (MANE Select); coding-DNA position 1951, C replaced by T.
Protein change: p.Arg651Trp; replaces arginine 651 with tryptophan.
Molecular consequence: missense variant.
Genome position (GRCh38, 1-based): chr2:74,534,225, G>A on the plus strand (C>T on the coding strand, the complement: LOXL3 is on the minus strand). VCF-style: chr2-74534225-G-A. GRCh37 (hg19) VCF-style: chr2-74761352-G-A.
Other names: c.1516C>T, p.Arg506Trp (NM_001289164.3); c.868C>T, p.Arg290Trp (NM_001289165.2); short protein forms R290W, R506W, R651W.
Identifiers: ClinVar variation 1951445 (VCV001951445.2), dbSNP rs1353900393, ClinGen allele CA347384522.

ClinVar aggregate classification (germline): Uncertain significance (1 of 4 stars; one submission).

Allele frequency attached by ClinVar (database versions not stated): gnomAD 0.00001; gnomAD exomes 0.00001; TOPMed 0.00001.
gnomAD v4.1: 11 of 1,614,044 alleles (0.00068%); highest among the groups gnomAD compares: African/African-American, 0.0013%; no homozygotes.

Submission:

Labcorp Genetics (formerly Invitae), Labcorp
Classification: Uncertain significance. Last evaluated: 2022-06-29. Review status: criteria provided, single submitter. Criteria: Invitae Variant Classification Sherloc (09022015). Collection method: clinical testing. Allele origin: germline.
Comment: This sequence change replaces arginine, which is basic and polar, with tryptophan, which is neutral and slightly polar, at codon 651 of the LOXL3 protein (p.Arg651Trp). This variant is present in population databases (no rsID available, gnomAD 0.002%). This variant has not been reported in the literature in individuals affected with LOXL3-related conditions. Algorithms developed to predict the effect of missense changes on protein structure and function are either unavailable or do not agree on the potential impact of this missense change (SIFT: "Deleterious"; PolyPhen-2: "Probably Damaging"; Align-GVGD: "Class C0"). In summary, the available evidence is currently insufficient to determine the role of this variant in disease. Therefore, it has been classified as a Variant of Uncertain Significance.